The following is an entry in ClinVar:

NM_015192.4(PLCB1):c.2008G>T (p.Val670Leu)

Gene: PLCB1 (phospholipase C beta 1; plus strand). Cytogenetic location: 20p12.3.
Variant type: single nucleotide variant.
Coding change: c.2008G>T on transcript NM_015192.4 (MANE Select); coding-DNA position 2008, G replaced by T.
Protein change: p.Val670Leu; replaces valine 670 with leucine.
Molecular consequence: missense variant.
Genome position (GRCh38, 1-based): chr20:8,733,357, G>T. VCF-style: chr20-8733357-G-T. GRCh37 (hg19) VCF-style: chr20-8714004-G-T.
Other names: c.2008G>T, p.Val670Leu (NM_182734.3); short protein forms V670L.
Identifiers: ClinVar variation 1420480 (VCV001420480.7), dbSNP rs772981786, ClinGen allele CA408205818.

ClinVar aggregate classification (germline): Uncertain significance (1 of 4 stars; one submission).

Conditions:
Developmental and epileptic encephalopathy, 12 (DEE12). Identifiers: MedGen C3150988, MONDO:0013389, OMIM 613722.

Submission:

Labcorp Genetics (formerly Invitae), Labcorp
Classification: Uncertain significance for Developmental and epileptic encephalopathy, 12. Last evaluated: 2021-06-04. Review status: criteria provided, single submitter. Criteria: Invitae Variant Classification Sherloc (09022015). Collection method: clinical testing. Allele origin: germline.
Comment: This sequence change replaces valine with leucine at codon 670 of the PLCB1 protein (p.Val670Leu). The valine residue is highly conserved and there is a small physicochemical difference between valine and leucine. This variant is not present in population databases (ExAC no frequency). This variant has not been reported in the literature in individuals with PLCB1-related conditions. Algorithms developed to predict the effect of missense changes on protein structure and function (SIFT, PolyPhen-2, Align-GVGD) all suggest that this variant is likely to be tolerated, but these predictions have not been confirmed by published functional studies and their clinical significance is uncertain. In summary, the available evidence is currently insufficient to determine the role of this variant in disease. Therefore, it has been classified as a Variant of Uncertain Significance.